The following is an entry in ClinVar:

NM_019026.6(TMCO1):c.259C>T (p.Arg87Ter)

Gene: TMCO1 (transmembrane and coiled-coil domains 1; minus strand). Cytogenetic location: 1q24.1.
Variant type: single nucleotide variant.
Coding change: c.259C>T on transcript NM_019026.6 (MANE Select); coding-DNA position 259, C replaced by T.
Protein change: p.Arg87Ter; replaces arginine 87 with a stop codon.
Molecular consequence: nonsense. On other transcripts: non-coding transcript variant (1).
Genome position (GRCh38, 1-based): chr1:165,752,166, G>A on the plus strand (C>T on the coding strand, the complement: TMCO1 is on the minus strand). VCF-style: chr1-165752166-G-A. GRCh37 (hg19) VCF-style: chr1-165721403-G-A.
Other names: R87*; c.310C>T, p.Arg104Ter (NM_001256164.1); c.223C>T, p.Arg75Ter (NM_001256165.1); short protein forms R138*, R75*, R104*.
Identifiers: ClinVar variation 88739 (VCV000088739.3), dbSNP rs201213306, ClinGen allele CA145327.
Genomic context (GRCh38, chr1:165,752,166, plus strand): 5'-AATTGAACATTCCCATTAGGGCAGTAAAACAAAAGCCAATAGCAAACATGGATTTCATTC[G>A]AACCTGTAATGAGACGAACAAATTGTCATTTTACACTAAAAAAAAACACATCTAAAGCAT-3'

ClinVar aggregate classification (germline): Pathogenic. Review status: criteria provided, single submitter (1 of 4 stars). 2 submissions from 2 submitters: Pathogenic (1). 1 of the submissions does not count toward it. Last evaluated 2026-03-03.

Conditions:
Craniofacial dysmorphism, skeletal anomalies, and impaired intellectual development 1 (CFSMR1). Also called: Cerebrofaciothoracic dysplasia. Identifiers: Orphanet 1394, MedGen C5677021, MONDO:0800436, OMIM 213980.

Allele frequency attached by ClinVar (database versions not stated): gnomAD exomes 0.00002 and 0.00001; gnomAD 0.00001; ExAC 0.00004; TOPMed 0.00004; ESP Exome Variant Server 0.00015.

Submissions (2):

Dasa
Classification: Pathogenic. Last evaluated: 2026-03-03. Review status: criteria provided, single submitter. Criteria: DASA Assertion Criteria. Collection method: clinical testing. Allele origin: germline.
Comment: NM_019026.6(TMCO1):c.259C>T (p.Arg87*) introduces a premature termination codon predicted to result in loss of normal protein function. Loss-of-function is an established mechanism of disease for this gene. Segregation evidence has been reported in affected families. This variant has been observed in affected individuals with related phenotype in a genotype context consistent with recessive disease (PMID: 24194475; PMID: 23320496). This variant has been recurrently observed in individuals with related phenotype (PMID: 24194475; PMID: 23320496). The variant is present at low frequency in population datasets. Based on the available data, this variant is classified as pathogenic.

OMIM
Classification: Pathogenic for CRANIOFACIAL DYSMORPHISM, SKELETAL ANOMALIES, AND IMPAIRED INTELLECTUAL DEVELOPMENT SYNDROME 1. Last evaluated: 2014-02-01. Review status: no assertion criteria provided. Collection method: literature only. Allele origin: germline. Not counted in ClinVar's aggregate classification.

Literature cited by the submitters: PubMed 24194475 (cited by Dasa and OMIM); PubMed 23320496 (cited by Dasa and OMIM); PubMed 17351359 (cited by OMIM).